The following is an entry in ClinVar:

ClinVar aggregate classification (germline): Uncertain significance. Review status: criteria provided, multiple submitters, no conflicts (2 of 4 stars). 2 submissions from 2 submitters: Uncertain significance (2). Last evaluated 2026-01-11.

Conditions:
Angelman syndrome (AS). Also called: HAPPY PUPPET SYNDROME. Identifiers: Orphanet 72, MedGen C0162635, MONDO:0007113, OMIM 105830. Disease mechanism: loss of function. Inheritance: AS is caused by disruption of maternally imprinted UBE3A located within the 15q11.2-q13 Angelman syndrome/Prader-Willi syndrome (AS/PWS) region., imprinting disorder.

Submissions (2):

Labcorp Genetics (formerly Invitae), Labcorp
Classification: Uncertain significance for Angelman syndrome. Last evaluated: 2026-01-11. Review status: criteria provided, single submitter. Criteria: Invitae Variant Classification Sherloc (09022015). Collection method: clinical testing. Allele origin: germline.
Comment: This sequence change replaces asparagine, which is neutral and polar, with histidine, which is basic and polar, at codon 692 of the UBE3A protein (p.Asn692His). This variant is not present in population databases (gnomAD no frequency). This variant has not been reported in the literature in individuals affected with UBE3A-related conditions. ClinVar contains an entry for this variant (Variation ID: 500132). Invitae Evidence Modeling of protein sequence and biophysical properties (such as structural, functional, and spatial information, amino acid conservation, physicochemical variation, residue mobility, and thermodynamic stability) indicates that this missense variant is not expected to disrupt UBE3A protein function with a negative predictive value of 80%. In summary, the available evidence is currently insufficient to determine the role of this variant in disease. Therefore, it has been classified as a Variant of Uncertain Significance.

Eurofins Ntd Llc (ga)
Classification: Uncertain significance. Last evaluated: 2017-02-03. Review status: criteria provided, single submitter. Criteria: EGL Classification Definitions 2015. Collection method: clinical testing. Allele origin: germline. Observed: 1 variant allele, 1 heterozygote.

NM_130839.5(UBE3A):c.2134A>C (p.Asn712His)

Genes: SNHG14 (small nucleolar RNA host gene 14; plus strand), UBE3A (ubiquitin protein ligase E3A; minus strand). Cytogenetic location: 15q11.2.
Variant type: single nucleotide variant.
Coding change: c.2134A>C on transcript NM_130839.5 (MANE Select); coding-DNA position 2134, A replaced by C.
Protein change: p.Asn712His; replaces asparagine 712 with histidine.
Molecular consequence: missense variant. On other transcripts: non-coding transcript variant (1), intron variant (3).
Genome position (GRCh38, 1-based): chr15:25,354,674, T>G on the plus strand (A>C on the coding strand, the complement: UBE3A is on the minus strand). VCF-style: chr15-25354674-T-G. GRCh37 (hg19) VCF-style: chr15-25599821-T-G.
Other names: c.2143A>C, p.Asn715His (NM_000462.5); c.2134A>C, p.Asn712His (NM_001354505.1, NM_001354538.2); c.2074A>C, p.Asn692His (NM_001354506.2, NM_001354507.2, NM_001354508.2 and 14 more transcripts); c.1957A>C, p.Asn653His (NM_001354546.2); c.1909A>C, p.Asn637His (NM_001354549.2); c.883A>C, p.Asn295His (NM_001354550.2); c.823A>C, p.Asn275His (NM_001354551.2); c.2065-248A>C (NM_001354548.2, NM_001354547.2); and 1 more; short protein forms N692H, N653H, N275H, N295H, N637H, N715H, N712H.
Identifiers: ClinVar variation 500132 (VCV000500132.7), dbSNP rs1555389918, ClinGen allele CA391351939.